The following is an entry in ClinVar:

NM_001365276.2(TNXB):c.2921C>T (p.Thr974Ile)

Gene: TNXB (tenascin XB; minus strand). Cytogenetic location: 6p21.33.
Variant type: single nucleotide variant.
Coding change: c.2921C>T on transcript NM_001365276.2 (MANE Select); coding-DNA position 2921, C replaced by T.
Protein change: p.Thr974Ile; replaces threonine 974 with isoleucine.
Molecular consequence: missense variant.
Genome position (GRCh38, 1-based): chr6:32,085,977, G>A on the plus strand (C>T on the coding strand, the complement: TNXB is on the minus strand). VCF-style: chr6-32085977-G-A. GRCh37 (hg19) VCF-style: chr6-32053754-G-A.
Other names: c.3662C>T, p.Thr1221Ile (NM_001428335.1); c.2921C>T, p.Thr974Ile (NM_019105.8); short protein forms T1221I, T974I.
Identifiers: ClinVar variation 3227261 (VCV003227261.1), dbSNP rs1368989194, ClinGen allele CA363449539.

ClinVar aggregate classification (germline): Uncertain significance (1 of 4 stars; one submission).

Conditions:
Cardiovascular phenotype. Identifiers: MedGen CN230736.

Allele frequency attached by ClinVar (database versions not stated): gnomAD exomes below 0.00001; TOPMed 0.00002.
gnomAD v4.1: 2 of 1,608,082 alleles (0.00012%); highest among the groups gnomAD compares: African/African-American, 0.0027%; no homozygotes.

Submission:

Ambry Genetics
Classification: Uncertain significance for Cardiovascular phenotype. Last evaluated: 2024-02-01. Review status: criteria provided, single submitter. Criteria: Ambry Variant Classification Scheme 2023. Collection method: clinical testing. Allele origin: germline.
Comment: The p.T974I variant (also known as c.2921C>T), located in coding exon 6 of the TNXB gene, results from a C to T substitution at nucleotide position 2921. The threonine at codon 974 is replaced by isoleucine, an amino acid with similar properties. This amino acid position is conserved. In addition, this alteration is predicted to be tolerated by in silico analysis. Based on the available evidence, the clinical significance of this alteration remains unclear.